The following is an entry in ClinVar:

ClinVar aggregate classification (germline): Uncertain significance. Review status: criteria provided, multiple submitters, no conflicts (2 of 4 stars). 2 submissions from 2 submitters: Uncertain significance (2). Last evaluated 2025-12-11.

Conditions:
Inborn genetic diseases. Identifiers: MedGen C0950123, MeSH D030342.

gnomAD v4.1: 2 of 1,614,176 alleles (0.00012%); highest among the groups gnomAD compares: Non-Finnish European, 0.00017%; no homozygotes.

Submissions (2):

Ambry Genetics
Classification: Uncertain significance for Inborn genetic diseases. Last evaluated: 2025-12-11. Review status: criteria provided, single submitter. Criteria: Ambry Variant Classification Scheme 2023. Collection method: clinical testing. Allele origin: germline.

Labcorp Genetics (formerly Invitae), Labcorp
Classification: Uncertain significance. Last evaluated: 2024-08-10. Review status: criteria provided, single submitter. Criteria: Invitae Variant Classification Sherloc (09022015). Collection method: clinical testing. Allele origin: germline.
Comment: This sequence change replaces threonine, which is neutral and polar, with alanine, which is neutral and non-polar, at codon 1678 of the SRCAP protein (p.Thr1678Ala). This variant is present in population databases (rs774318394, gnomAD 0.02%). This variant has not been reported in the literature in individuals affected with SRCAP-related conditions. Advanced modeling of protein sequence and biophysical properties (such as structural, functional, and spatial information, amino acid conservation, physicochemical variation, residue mobility, and thermodynamic stability) performed at Invitae indicates that this missense variant is not expected to disrupt SRCAP protein function with a negative predictive value of 80%. In summary, the available evidence is currently insufficient to determine the role of this variant in disease. Therefore, it has been classified as a Variant of Uncertain Significance.

NM_006662.3(SRCAP):c.5032A>G (p.Thr1678Ala)

Gene: SRCAP (Snf2 related CREBBP activator protein; plus strand). Cytogenetic location: 16p11.2.
Variant type: single nucleotide variant.
Coding change: c.5032A>G on transcript NM_006662.3 (MANE Select); coding-DNA position 5032, A replaced by G.
Protein change: p.Thr1678Ala; replaces threonine 1678 with alanine.
Molecular consequence: missense variant.
Genome position (GRCh38, 1-based): chr16:30,724,456, A>G. VCF-style: chr16-30724456-A-G. GRCh37 (hg19) VCF-style: chr16-30735777-A-G.
Other names: c.5032A>G (NM_006662.2); short protein forms T1678A.
Identifiers: ClinVar variation 3606324 (VCV003606324.3).